The following is an entry in ClinVar:

NM_000246.4(CIITA):c.2323G>A (p.Gly775Arg)

Gene: CIITA (class II major histocompatibility complex transactivator; plus strand). Cytogenetic location: 16p13.13.
Variant type: single nucleotide variant.
Coding change: c.2323G>A on transcript NM_000246.4 (MANE Select); coding-DNA position 2323, G replaced by A.
Protein change: p.Gly775Arg; replaces glycine 775 with arginine.
Molecular consequence: missense variant. On other transcripts: intron variant (1).
Genome position (GRCh38, 1-based): chr16:10,907,815, G>A. VCF-style: chr16-10907815-G-A. GRCh37 (hg19) VCF-style: chr16-11001672-G-A.
Other names: c.2326G>A, p.Gly776Arg (NM_001286402.1, NM_001379332.1); c.2179G>A, p.Gly727Arg (NM_001379330.1); c.2176G>A, p.Gly726Arg (NM_001379331.1); c.2323G>A, p.Gly775Arg (NM_001379333.1); c.2254G>A, p.Gly752Arg (NM_001379334.1); c.860-1168G>A (NM_001286403.2); short protein forms G726R, G727R, G752R, G775R, G776R.
Identifiers: ClinVar variation 2156596 (VCV002156596.1), dbSNP rs761042006, ClinGen allele CA16040299.
Genomic context (GRCh38, chr16:10,907,815, plus strand): 5'-CCACGCTTTCTGGCTGGGCTGATCTTCCAGCCTCCCGCCCGCTGCCTGGGAGCCCTACTC[G>A]GGCCATCGGCGGCTGCCTCGGTGGACAGGAAGCAGAAGGTGCTTGCGAGGTACCTGAAGC-3'
Protein context (NP_000237.2, residues 765-785): PPARCLGALL[Gly775Arg]PSAAASVDRK

ClinVar aggregate classification (germline): Uncertain significance (1 of 4 stars; one submission).

Conditions:
MHC class II deficiency. Also called: Bare lymphocyte syndrome 2; BLS, TYPE II. Identifiers: Orphanet 572, MedGen C5447452, MONDO:0008855.

gnomAD v4.1: 3 of 1,613,998 alleles (0.00019%); highest among the groups gnomAD compares: African/African-American, 0.0013%; no homozygotes.

Submission:

Labcorp Genetics (formerly Invitae), Labcorp
Classification: Uncertain significance for MHC class II deficiency. Last evaluated: 2022-04-07. Review status: criteria provided, single submitter. Criteria: Invitae Variant Classification Sherloc (09022015). Collection method: clinical testing. Allele origin: germline.
Comment: This sequence change replaces glycine, which is neutral and non-polar, with arginine, which is basic and polar, at codon 775 of the CIITA protein (p.Gly775Arg). This variant is present in population databases (no rsID available, gnomAD 0.0009%). This variant has not been reported in the literature in individuals affected with CIITA-related conditions. Algorithms developed to predict the effect of missense changes on protein structure and function output the following: SIFT: "Tolerated"; PolyPhen-2: "Benign"; Align-GVGD: "Class C0". The arginine amino acid residue is found in multiple mammalian species, which suggests that this missense change does not adversely affect protein function. In summary, the available evidence is currently insufficient to determine the role of this variant in disease. Therefore, it has been classified as a Variant of Uncertain Significance.